The following is an entry in ClinVar:

ClinVar aggregate classification (germline): Uncertain significance. Review status: criteria provided, multiple submitters, no conflicts (2 of 4 stars). 3 submissions from 3 submitters: Uncertain significance (3). Last evaluated 2025-12-18.

Conditions:
ABCC2-related disorder. Also called: ABCC2-related condition.
Inborn genetic diseases. Identifiers: MedGen C0950123, MeSH D030342.

Allele frequency attached by ClinVar (database versions not stated): gnomAD 0.00003; ExAC 0.00004; TOPMed 0.00005; gnomAD exomes 0.00006; 1000 Genomes Project 30x 0.00016.
gnomAD v4.1: 86 of 1,614,030 alleles (0.0053%); highest among the groups gnomAD compares: Admixed American, 0.015%; no homozygotes.

Submissions (3):

PreventionGenetics, part of Exact Sciences
Classification: Uncertain significance for ABCC2-related condition. Last evaluated: 2025-12-18. Review status: criteria provided, single submitter. Criteria: ACMG Guidelines, 2015. Collection method: clinical testing. Allele origin: germline.
Comment: The ABCC2 c.1769G>A variant is predicted to result in the amino acid substitution p.Arg590His. To our knowledge, this variant has not been reported in the literature in individuals with ABCC2-related disorders. This variant is reported in 0.011% of alleles in individuals of Latino descent in gnomAD. At this time, the clinical significance of this variant is uncertain due to the absence of conclusive functional and genetic evidence.

Ambry Genetics
Classification: Uncertain significance for Inborn genetic diseases. Last evaluated: 2025-06-18. Review status: criteria provided, single submitter. Criteria: Ambry Variant Classification Scheme 2023. Collection method: clinical testing. Allele origin: germline.

Eurofins Ntd Llc (ga)
Classification: Uncertain significance. Last evaluated: 2018-08-17. Review status: criteria provided, single submitter. Criteria: EGL ClinVar v180209 classification definitions. Collection method: clinical testing. Allele origin: germline. Observed: 1 variant allele, 1 heterozygote.

NM_000392.5(ABCC2):c.1769G>A (p.Arg590His)

Gene: ABCC2 (ATP binding cassette subfamily C member 2; plus strand). Cytogenetic location: 10q24.2.
Variant type: single nucleotide variant.
Coding change: c.1769G>A on transcript NM_000392.5 (MANE Select); coding-DNA position 1769, G replaced by A.
Protein change: p.Arg590His; replaces arginine 590 with histidine.
Molecular consequence: missense variant.
Genome position (GRCh38, 1-based): chr10:99,808,183, G>A. VCF-style: chr10-99808183-G-A. GRCh37 (hg19) VCF-style: chr10-101567940-G-A.
Other names: c.1769G>A, p.Arg590His (LRG_1208t1); c.1769G>A (NM_000392.4, NM_000392.3); short protein forms R590H.
Identifiers: ClinVar variation 598458 (VCV000598458.8), dbSNP rs751940502, ClinGen allele CA5643271.
Genomic context (GRCh38, chr10:99,808,183, plus strand): 5'-GCAACAATATTTTGGATGCACAAAAGGCCTTCACCTCCATTACCCTCTTCAATATCCTGC[G>A]CTTTCCCCTGAGCATGCTTCCCATGATGATCTCCTCCATGCTCCAGGTAGGTCGGCATTC-3'
Protein context (NP_000383.2, residues 580-600): FTSITLFNIL[Arg590His]FPLSMLPMMI